The following is an entry in ClinVar:

ClinVar aggregate classification (germline): Likely benign. Review status: criteria provided, multiple submitters, no conflicts (2 of 4 stars). 3 submissions from 3 submitters: Likely benign (2). 1 of the submissions does not count toward it. Last evaluated 2025-03-31.

Conditions:
MED25-related disorder. Also called: MED25-related condition.
Charcot-Marie-Tooth disease type 2. Also called: Charcot-Marie-Tooth type 2. Identifiers: Orphanet 64746, MedGen C0270914, MONDO:0018993.

Allele frequency attached by ClinVar (database versions not stated): ExAC 0.00002; gnomAD exomes 0.00003; TOPMed 0.00006; gnomAD 0.00007.
gnomAD v4.1: 53 of 1,608,832 alleles (0.0033%); highest among the groups gnomAD compares: Non-Finnish European, 0.004%; no homozygotes.

Submissions (3):

Labcorp Genetics (formerly Invitae), Labcorp
Classification: Likely benign for Charcot-Marie-Tooth disease type 2. Last evaluated: 2025-03-31. Review status: criteria provided, single submitter. Criteria: Invitae Variant Classification Sherloc (09022015). Collection method: clinical testing. Allele origin: germline.

CeGaT Center for Human Genetics Tuebingen
Classification: Likely benign. Last evaluated: 2024-10-01. Review status: criteria provided, single submitter. Criteria: CeGaT Center For Human Genetics Tuebingen Variant Classification Criteria Version 2. Collection method: clinical testing. Allele origin: germline. Affected: yes. Observed: 1 variant allele.
Comment: MED25: BP4, BP7

PreventionGenetics, part of Exact Sciences
Classification: Likely benign for MED25-related condition. Last evaluated: 2019-08-09. Review status: no assertion criteria provided. Collection method: clinical testing. Allele origin: germline. Not counted in ClinVar's aggregate classification.
Comment: This variant is classified as likely benign based on ACMG/AMP sequence variant interpretation guidelines (Richards et al. 2015 PMID: 25741868, with internal and published modifications).

NM_030973.4(MED25):c.570G>C (p.Ala190=)

Gene: MED25 (mediator complex subunit 25; plus strand). Cytogenetic location: 19q13.33.
Variant type: single nucleotide variant.
Coding change: c.570G>C on transcript NM_030973.4 (MANE Select); coding-DNA position 570, G replaced by C.
Protein change: p.Ala190=; no amino-acid change (alanine 190 retained).
Molecular consequence: synonymous variant.
Genome position (GRCh38, 1-based): chr19:49,829,830, G>C. VCF-style: chr19-49829830-G-C. GRCh37 (hg19) VCF-style: chr19-50333087-G-C.
Other names: c.570G>C, p.Ala190= (NM_001378355.1).
Identifiers: ClinVar variation 698803 (VCV000698803.26), dbSNP rs759800230, ClinGen allele CA9584917.